The following is an entry in ClinVar:

NM_001110556.2(FLNA):c.3023T>C (p.Ile1008Thr)

Gene: FLNA (filamin A; minus strand). Cytogenetic location: Xq28.
Variant type: single nucleotide variant.
Coding change: c.3023T>C on transcript NM_001110556.2 (MANE Select); coding-DNA position 3023, T replaced by C.
Protein change: p.Ile1008Thr; replaces isoleucine 1008 with threonine.
Molecular consequence: missense variant.
Genome position (GRCh38, 1-based): chrX:154,361,492, A>G on the plus strand (T>C on the coding strand, the complement: FLNA is on the minus strand). VCF-style: chrX-154361492-A-G. GRCh37 (hg19) VCF-style: chrX-153589860-A-G.
Other names: c.3023T>C, p.Ile1008Thr (NM_001456.4); short protein forms I1008T.
Identifiers: ClinVar variation 983102 (VCV000983102.6), dbSNP rs1557178033, ClinGen allele CA415230823.

ClinVar aggregate classification (germline): Conflicting classifications of pathogenicity. Review status: criteria provided, conflicting classifications (1 of 4 stars). 3 submissions from 3 submitters: Uncertain significance (1); Benign (1); Likely benign (1). Last evaluated 2025-10-12.

Conditions:
Heterotopia, periventricular, X-linked dominant (PVNH1). Also called: PERIVENTRICULAR NODULAR HETEROTOPIA 4; HETEROTOPIA, PERIVENTRICULAR, 1; PERIVENTRICULAR NODULAR HETEROTOPIA 1; X-linked periventricular heterotopia. Identifiers: Orphanet 2149, Orphanet 82004, MedGen C1848213, MONDO:0010233, OMIM 300049.
Oto-palato-digital syndrome, type II (OPD2). Also called: Otopalatodigital Syndrome, Type II; Otopalatodigital Syndrome Type 2 (FLNA-OPD2); FACIOPALATOOSSEOUS SYNDROME; OPD II SYNDROME. Identifiers: Orphanet 669, Orphanet 90652, MedGen C1844696, MONDO:0010571, OMIM 304120.
Melnick-Needles syndrome (MNS). Also called: Melnick-Needles Syndrome (FLNA-MNS); MELNICK-NEEDLES OSTEODYSPLASTY; OSTEODYSPLASTY OF MELNICK AND NEEDLES. Identifiers: Orphanet 2484, MedGen C0025237, MONDO:0010650, OMIM 309350.
Frontometaphyseal dysplasia (FMD1). Identifiers: Orphanet 1826, MedGen C0265293, MONDO:0015942.

Allele frequency attached by ClinVar (database versions not stated): gnomAD exomes 0.00001; TOPMed 0.00001.

Submissions (3):

Labcorp Genetics (formerly Invitae), Labcorp
Classification: Benign for Oto-palato-digital syndrome, type II; Heterotopia, periventricular, X-linked dominant; Frontometaphyseal dysplasia; Melnick-Needles syndrome. Last evaluated: 2025-10-12. Review status: criteria provided, single submitter. Criteria: Invitae Variant Classification Sherloc (09022015). Collection method: clinical testing. Allele origin: germline.

GeneDx
Classification: Uncertain significance. Last evaluated: 2020-07-07. Review status: criteria provided, single submitter. Criteria: GeneDx Variant Classification Process June 2021. Collection method: clinical testing. Allele origin: germline. Affected: yes.
Comment: In silico analysis supports that this missense variant has a deleterious effect on protein structure/function; Has not been previously published as pathogenic or benign to our knowledge

Institute of Human Genetics, University of Leipzig Medical Center
Classification: Likely benign for Melnick-Needles syndrome. Last evaluated: 2019-01-01. Review status: criteria provided, single submitter. Criteria: ACMG Guidelines, 2015. Collection method: clinical testing. Allele origin: unknown. Affected: yes.